The following is an entry in ClinVar:

NM_147196.3(TMIE):c.162G>A (p.Met54Ile)

Gene: TMIE (transmembrane inner ear; plus strand). Cytogenetic location: 3p21.31.
Variant type: single nucleotide variant.
Coding change: c.162G>A on transcript NM_147196.3 (MANE Select); coding-DNA position 162, G replaced by A.
Protein change: p.Met54Ile; replaces methionine 54 with isoleucine.
Molecular consequence: missense variant. On other transcripts: initiator codon variant (2).
Genome position (GRCh38, 1-based): chr3:46,705,858, G>A. VCF-style: chr3-46705858-G-A. GRCh37 (hg19) VCF-style: chr3-46747348-G-A.
Other names: c.3G>A, p.Met1Ile (NM_001370524.1, NM_001370525.1); short protein forms M1I, M54I.
Identifiers: ClinVar variation 2446297 (VCV002446297.4), dbSNP rs535245719, ClinGen allele CA2357942.

ClinVar aggregate classification (germline): Uncertain significance. Review status: criteria provided, multiple submitters, no conflicts (2 of 4 stars). 3 submissions from 3 submitters: Uncertain significance (3). Last evaluated 2026-03-24.

Conditions:
TMIE-related disorder. Also called: TMIE-related condition.

Allele frequency attached by ClinVar (database versions not stated): ExAC 0.00001; gnomAD exomes 0.00001; gnomAD 0.00004; TOPMed 0.00011; 1000 Genomes Project 0.00020; 1000 Genomes Project 30x 0.00031.
gnomAD v4.1: 11 of 1,614,142 alleles (0.00068%); highest among the groups gnomAD compares: African/African-American, 0.008%; no homozygotes.

Submissions (3):

PreventionGenetics, part of Exact Sciences
Classification: Uncertain significance for TMIE-related condition. Last evaluated: 2026-03-24. Review status: criteria provided, single submitter. Criteria: ACMG Guidelines, 2015. Collection method: clinical testing. Allele origin: germline.
Comment: The TMIE c.162G>A variant is predicted to result in the amino acid substitution p.Met54Ile. To our knowledge, this variant has not been reported in the literature. This variant is reported in 0.016% of alleles in individuals of African descent in gnomAD. At this time, the clinical significance of this variant is uncertain due to the absence of conclusive functional and genetic evidence.

Blueprint Genetics
Classification: Uncertain significance. Last evaluated: 2024-02-15. Review status: criteria provided, single submitter. Criteria: ACMG Guidelines, 2015. Collection method: clinical testing. Allele origin: germline.

GeneDx
Classification: Uncertain significance. Last evaluated: 2022-11-08. Review status: criteria provided, single submitter. Criteria: GeneDx Variant Classification Process June 2021. Collection method: clinical testing. Allele origin: germline. Affected: yes.
Comment: In silico analysis supports that this missense variant does not alter protein structure/function; Has not been previously published as pathogenic or benign to our knowledge